The following is an entry in ClinVar:

ClinVar aggregate classification (germline): Uncertain significance (1 of 4 stars; one submission).

gnomAD v4.1: 2 of 1,613,968 alleles (0.00012%); highest among the groups gnomAD compares: East Asian, 0.0022%; no homozygotes.

Submission:

Labcorp Genetics (formerly Invitae), Labcorp
Classification: Uncertain significance. Last evaluated: 2025-06-17. Review status: criteria provided, single submitter. Criteria: Invitae Variant Classification Sherloc (09022015). Collection method: clinical testing. Allele origin: germline.
Comment: This sequence change replaces asparagine, which is neutral and polar, with lysine, which is basic and polar, at codon 1779 of the RP1 protein (p.Asn1779Lys). The frequency data for this variant in the population databases is considered unreliable, as metrics indicate poor data quality at this position in the gnomAD database. This variant has not been reported in the literature in individuals affected with RP1-related conditions. An algorithm developed to predict the effect of missense changes on protein structure and function (PolyPhen-2) suggests that this variant is likely to be tolerated. In summary, the available evidence is currently insufficient to determine the role of this variant in disease. Therefore, it has been classified as a Variant of Uncertain Significance.

NM_006269.2(RP1):c.5337C>G (p.Asn1779Lys)

Genes: RP1 (RP1 axonemal microtubule associated; plus strand), LOC126860392 (CDK7 strongly-dependent group 2 enhancer GRCh37_chr8:55541319-55542518; plus strand). Cytogenetic location: 8q12.1.
Variant type: single nucleotide variant.
Coding change: c.5337C>G on transcript NM_006269.2 (MANE Select); coding-DNA position 5337, C replaced by G.
Protein change: p.Asn1779Lys; replaces asparagine 1779 with lysine.
Molecular consequence: missense variant. On other transcripts: intron variant (1).
Genome position (GRCh38, 1-based): chr8:54,629,219, C>G. VCF-style: chr8-54629219-C-G. GRCh37 (hg19) VCF-style: chr8-55541779-C-G.
Other names: c.787+6931C>G (NM_001375654.1); short protein forms N1779K.
Identifiers: ClinVar variation 4711415 (VCV004711415.1).
Genomic context (GRCh38, chr8:54,629,219, plus strand): 5'-AAATCCTGGCATGTGTGGCAATGCAGACACCACATCAGTGGACACCCTACTTGATAATAA[C>G]AGCAGTGAGGTACCATATTCACATTTTGGTAATTTGGCCCCAGGCCCAACGATGGATGAA-3'
Protein context (NP_006260.1, residues 1769-1789): TTSVDTLLDN[Asn1779Lys]SSEVPYSHFG